The following is an entry in ClinVar:

NM_000384.3(APOB):c.3548A>G (p.Asn1183Ser)

Gene: APOB (apolipoprotein B; minus strand). Cytogenetic location: 2p24.1.
Variant type: single nucleotide variant.
Coding change: c.3548A>G on transcript NM_000384.3 (MANE Select); coding-DNA position 3548, A replaced by G.
Protein change: p.Asn1183Ser; replaces asparagine 1183 with serine.
Molecular consequence: missense variant.
Genome position (GRCh38, 1-based): chr2:21,015,221, T>C on the plus strand (A>G on the coding strand, the complement: APOB is on the minus strand). VCF-style: chr2-21015221-T-C. GRCh37 (hg19) VCF-style: chr2-21238093-T-C.
Other names: short protein forms N1183S.
Identifiers: ClinVar variation 4755579 (VCV004755579.2).

ClinVar aggregate classification (germline): Uncertain significance. Review status: criteria provided, multiple submitters, no conflicts (2 of 4 stars). 2 submissions from 2 submitters: Uncertain significance (2). Last evaluated 2026-01-06.

Conditions:
Cardiovascular phenotype. Identifiers: MedGen CN230736.

gnomAD v4.1: 1 of 1,614,240 alleles (0.000062%); highest among the groups gnomAD compares: Middle Eastern, 0.017%; no homozygotes.

Submissions (2):

Ambry Genetics
Classification: Uncertain significance for Cardiovascular phenotype. Last evaluated: 2026-01-06. Review status: criteria provided, single submitter. Criteria: Ambry Variant Classification Scheme 2023. Collection method: clinical testing. Allele origin: germline.
Comment: The p.N1183S variant (also known as c.3548A>G), located in coding exon 23 of the APOB gene, results from an A to G substitution at nucleotide position 3548. The asparagine at codon 1183 is replaced by serine, an amino acid with highly similar properties. This amino acid position is conserved. In addition, this alteration is predicted to be tolerated by in silico analysis. Based on the available evidence, the clinical significance of this variant remains unclear.

GeneDx
Classification: Uncertain significance. Last evaluated: 2025-08-08. Review status: criteria provided, single submitter. Criteria: GeneDx Variant Classification Process June 2021. Collection method: clinical testing. Allele origin: germline. Affected: yes.
Comment: Not observed at significant frequency in large population cohorts (gnomAD); In silico analysis supports that this missense variant has a deleterious effect on protein structure/function; Has not been previously published as pathogenic or benign to our knowledge